The following is an entry in ClinVar:

NM_014865.4(NCAPD2):c.988-12TC[3]

Gene: NCAPD2 (non-SMC condensin I complex subunit D2; plus strand). Cytogenetic location: 12p13.31.
Variant type: Microsatellite.
Coding change: c.988-12TC[3] on transcript NM_014865.4 (MANE Select); three copies in a row of the 2-base unit TC starting at c.988-12.
Molecular consequence: intron variant.
Genome position: GRCh38 VCF-style: chr12-6516815-TTC-T. GRCh37 (hg19) VCF-style: chr12-6625981-TTC-T.
Identifiers: ClinVar variation 3049053 (VCV003049053.2), dbSNP rs377724145, ClinGen allele CA6408283.

ClinVar aggregate classification (germline): Likely benign (0 of 4 stars; one submission).

Conditions:
NCAPD2-related disorder. Also called: NCAPD2-related condition.

Submission:

PreventionGenetics, part of Exact Sciences
Classification: Likely benign for NCAPD2-related condition. Last evaluated: 2019-12-16. Review status: no assertion criteria provided. Collection method: clinical testing. Allele origin: germline.
Comment: This variant is classified as likely benign based on ACMG/AMP sequence variant interpretation guidelines (Richards et al. 2015 PMID: 25741868, with internal and published modifications).